The following is an entry in ClinVar:

ClinVar aggregate classification (germline): Uncertain significance (1 of 4 stars; one submission).

Submission:

Labcorp Genetics (formerly Invitae), Labcorp
Classification: Uncertain significance. Last evaluated: 2024-04-15. Review status: criteria provided, single submitter. Criteria: Invitae Variant Classification Sherloc (09022015). Collection method: clinical testing. Allele origin: germline.
Comment: This sequence change replaces glutamine, which is neutral and polar, with leucine, which is neutral and non-polar, at codon 920 of the RTTN protein (p.Gln920Leu). This variant is not present in population databases (gnomAD no frequency). This variant has not been reported in the literature in individuals affected with RTTN-related conditions. Advanced modeling of protein sequence and biophysical properties (such as structural, functional, and spatial information, amino acid conservation, physicochemical variation, residue mobility, and thermodynamic stability) has been performed at Invitae for this missense variant, however the output from this modeling did not meet the statistical confidence thresholds required to predict the impact of this variant on RTTN protein function. In summary, the available evidence is currently insufficient to determine the role of this variant in disease. Therefore, it has been classified as a Variant of Uncertain Significance.

NM_173630.4(RTTN):c.2759A>T (p.Gln920Leu)

Gene: RTTN (rotatin; minus strand). Cytogenetic location: 18q22.2.
Variant type: single nucleotide variant.
Coding change: c.2759A>T on transcript NM_173630.4 (MANE Select); coding-DNA position 2759, A replaced by T.
Protein change: p.Gln920Leu; replaces glutamine 920 with leucine.
Molecular consequence: missense variant.
Genome position (GRCh38, 1-based): chr18:70,139,628, T>A on the plus strand (A>T on the coding strand, the complement: RTTN is on the minus strand). VCF-style: chr18-70139628-T-A. GRCh37 (hg19) VCF-style: chr18-67806864-T-A.
Other names: c.23A>T, p.Gln8Leu (NM_001318520.2); short protein forms Q8L, Q920L.
Identifiers: ClinVar variation 3695575 (VCV003695575.2).
Genomic context (GRCh38, chr18:70,139,628, plus strand): 5'-TCTAATTATTAGCAGATTTTCTTTTATTTACCTCTGAATAACACGGTCAAAAGAGAAGAC[T>A]GTTGCGAGAGCGAAACACGCATGACTGGATCACCACATAAAACCTTCCTCAAGAGTGTGA-3'
Protein context (NP_775901.3, residues 910-930): DPVMRVSLSQ[Gln920Leu]SSLLTVLFRV